The following is an entry in ClinVar:

NM_000218.3(KCNQ1):c.550T>G (p.Tyr184Asp)

Gene: KCNQ1 (potassium voltage-gated channel subfamily Q member 1; plus strand). Cytogenetic location: 11p15.5.
Variant type: single nucleotide variant.
Coding change: c.550T>G on transcript NM_000218.3 (MANE Select); coding-DNA position 550, T replaced by G.
Protein change: p.Tyr184Asp; replaces tyrosine 184 with aspartic acid.
Molecular consequence: missense variant.
Genome position (GRCh38, 1-based): chr11:2,570,700, T>G. VCF-style: chr11-2570700-T-G. GRCh37 (hg19) VCF-style: chr11-2591930-T-G.
Other names: p.Y184D:TAC>GAC; c.550T>G, p.Tyr184Asp (NM_001406836.1); c.280T>G, p.Tyr94Asp (NM_001406837.1); c.169T>G, p.Tyr57Asp (NM_181798.2); short protein forms Y184D, Y57D, Y94D.
Identifiers: ClinVar variation 200815 (VCV000200815.4), dbSNP rs199473661, ClinGen allele CA007413.
Genomic context (GRCh38, chr11:2,570,700, plus strand): 5'-GTGGTGTTCTTCGGGACGGAGTACGTGGTCCGCCTCTGGTCCGCCGGCTGCCGCAGCAAG[T>G]ACGTGGGCCTCTGGGGGCGGCTGCGCTTTGCCCGGAAGCCCATTTCCATCATCGGTGAGT-3'
Protein context (NP_000209.2, residues 174-194): RLWSAGCRSK[Tyr184Asp]VGLWGRLRFA

ClinVar aggregate classification (germline): Likely pathogenic (1 of 4 stars; one submission).

Submission:

GeneDx
Classification: Likely pathogenic. Last evaluated: 2016-05-02. Review status: criteria provided, single submitter. Criteria: GeneDx Variant Classification (06012015). Collection method: clinical testing. Allele origin: germline. Affected: yes.
Comment: While the Tyr184Asp mutation in the KCNQ1 gene has not been reported to our knowledge, mutations affecting the same residue, (Tyr184Ser, Tyr184His), have been reported in association with LQTS (Kapplinger J et al., 2009, Jongbloed R et al, 1999). Additionally, mutations in nearby residues (Lys183Met, Lys183Arg, Gly186Ser, Gly186Arg, Leu187Pro) have been reported in association with LQTS, further supporting the functional importance of this codon and this region of the protein. Tyr184Asp results in a non-conservative amino acid substitution of neutral, polar Tyrosine with a negatively charged Aspartic acid. In silico analysis predicts Tyr184Asp is damaging to the protein structure/function. Furthermore, Tyr184Asp was not observed in approximately 6,500 individuals of European and African American ancestry in the NHLBI Exome Sequencing Project, indicating it is not a common benign variant in these populations. In summary, Tyr184Asp in the KCNQ1 gene is interpreted as a likely pathogenic variant.